The following is an entry in ClinVar:

NM_012213.3(MLYCD):c.641+3A>C

Gene: MLYCD (malonyl-CoA decarboxylase; plus strand). Cytogenetic location: 16q23.3.
Variant type: single nucleotide variant.
Coding change: c.641+3A>C on transcript NM_012213.3 (MANE Select); 3 bases into the intron after coding-DNA position 641, A replaced by C.
Molecular consequence: intron variant.
Genome position (GRCh38, 1-based): chr16:83,907,102, A>C. VCF-style: chr16-83907102-A-C. GRCh37 (hg19) VCF-style: chr16-83940707-A-C.
Identifiers: ClinVar variation 577880 (VCV000577880.8), dbSNP rs370078811, ClinGen allele CA8197301.

ClinVar aggregate classification (germline): Uncertain significance (1 of 4 stars; one submission).

Conditions:
Deficiency of malonyl-CoA decarboxylase. Also called: Malonic aciduria; MCD deficiency. Identifiers: Orphanet 943, MedGen C0342793, MONDO:0009556, OMIM 248360.

Allele frequency attached by ClinVar (database versions not stated): gnomAD exomes 0.00008; gnomAD 0.00009 and 0.00010; ExAC 0.00010; TOPMed 0.00011; ESP Exome Variant Server 0.00017.

Submission:

Labcorp Genetics (formerly Invitae), Labcorp
Classification: Uncertain significance for Deficiency of malonyl-CoA decarboxylase. Last evaluated: 2025-01-27. Review status: criteria provided, single submitter. Criteria: Invitae Variant Classification Sherloc (09022015). Collection method: clinical testing. Allele origin: germline.
Comment: This sequence change falls in intron 2 of the MLYCD gene. It does not directly change the encoded amino acid sequence of the MLYCD protein. It affects a nucleotide within the consensus splice site. This variant is present in population databases (rs370078811, gnomAD 0.02%). This variant has not been reported in the literature in individuals affected with MLYCD-related conditions. ClinVar contains an entry for this variant (Variation ID: 577880). Variants that disrupt the consensus splice site are a relatively common cause of aberrant splicing (PMID: 17576681, 9536098). Algorithms developed to predict the effect of sequence changes on RNA splicing suggest that this variant may disrupt the consensus splice site. In summary, the available evidence is currently insufficient to determine the role of this variant in disease. Therefore, it has been classified as a Variant of Uncertain Significance.

Literature cited by the submitters: PubMed 17576681; PubMed 9536098.